The following is an entry in ClinVar:

ClinVar aggregate classification (germline): Benign (1 of 4 stars; one submission).

Conditions:
Metachromatic leukodystrophy (MLD). Also called: ARSA DEFICIENCY; CEREBROSIDE SULFATASE DEFICIENCY; METACHROMATIC LEUKOENCEPHALOPATHY; SULFATIDE LIPIDOSIS; Cerebral sclerosis diffuse metachromatic form; Arylsulfatase A Deficiency. Identifiers: Orphanet 512, MedGen C0023522, MONDO:0018868, OMIM 250100.

Allele frequency attached by ClinVar (database versions not stated): 1000 Genomes Project 0.01398; 1000 Genomes Project 30x 0.01483; TOPMed 0.01538.
gnomAD v4.1: 2,001 of 152,346 alleles (1.3%); highest among the groups gnomAD compares: African/African-American, 4.5%; 58 homozygotes.

Submission:

Illumina Laboratory Services, Illumina
Classification: Benign for Metachromatic leukodystrophy. Last evaluated: 2018-01-12. Review status: criteria provided, single submitter. Criteria: ICSL Variant Classification Criteria 13 December 2019. Collection method: clinical testing. Allele origin: germline.
Comment: This variant was observed in the ICSL laboratory as part of a predisposition screen in an ostensibly healthy population. It had not been previously curated by ICSL or reported in the Human Gene Mutation Database (HGMD: prior to June 1st, 2018), and was therefore a candidate for classification through an automated scoring system. Utilizing variant allele frequency, disease prevalence and penetrance estimates, and inheritance mode, an automated score was calculated to assess if this variant is too frequent to cause the disease. Based on the score and internal cut-off values, a variant classified as benign is not then subjected to further curation. The score for this variant resulted in a classification of benign for this disease.

NM_000487.6(ARSA):c.*777C>G

Gene: ARSA (arylsulfatase A; minus strand). Cytogenetic location: 22q13.33.
Variant type: single nucleotide variant.
Coding change: c.*777C>G on transcript NM_000487.6 (MANE Select); 777 bases downstream of the stop codon, C replaced by G.
Molecular consequence: 3 prime UTR variant.
Genome position (GRCh38, 1-based): chr22:50,624,368, G>C on the plus strand (C>G on the coding strand, the complement: ARSA is on the minus strand). VCF-style: chr22-50624368-G-C. GRCh37 (hg19) VCF-style: chr22-51062796-G-C.
Other names: c.*777C>G (NM_001085426.3, NM_001085427.3, NM_001085428.3 and 2 more transcripts).
Identifiers: ClinVar variation 342218 (VCV000342218.5), dbSNP rs115593886, ClinGen allele CA10651557.
Genomic context (GRCh38, chr22:50,624,368, plus strand): 5'-TGATCCACCCGCCTCGGCTTCCTAAAGTGCTGGGATTACAGGCGTGAGCCACCGTGCCCA[G>C]CCAACAGATATTTTTAAGAGATCACTTTGTCTGCTGGGTGGAGAATCGTTAGTAGTGGGT-3'